The following is an entry in ClinVar:

ClinVar aggregate classification (germline): Uncertain significance (1 of 4 stars; one submission).

Conditions:
Early-infantile DEE. Also called: Ohtahara syndrome; Early infantile epileptic encephalopathy with suppression bursts; Early infantile epileptic encephalopathy. Identifiers: Orphanet 1934, MedGen C0393706, MONDO:0800491.

Allele frequency attached by ClinVar (database versions not stated): TOPMed below 0.00001.

Submission:

Labcorp Genetics (formerly Invitae), Labcorp
Classification: Uncertain significance for Early-infantile DEE. Last evaluated: 2021-12-09. Review status: criteria provided, single submitter. Criteria: Invitae Variant Classification Sherloc (09022015). Collection method: clinical testing. Allele origin: germline.
Comment: This sequence change replaces asparagine, which is neutral and polar, with serine, which is neutral and polar, at codon 732 of the KCNH5 protein (p.Asn732Ser). In summary, the available evidence is currently insufficient to determine the role of this variant in disease. Therefore, it has been classified as a Variant of Uncertain Significance. Advanced modeling of protein sequence and biophysical properties (such as structural, functional, and spatial information, amino acid conservation, physicochemical variation, residue mobility, and thermodynamic stability) performed at Invitae indicates that this missense variant is not expected to disrupt KCNH5 protein function. This variant has not been reported in the literature in individuals affected with KCNH5-related conditions. This variant is not present in population databases (gnomAD no frequency).

NM_139318.5(KCNH5):c.2195A>G (p.Asn732Ser)

Gene: KCNH5 (potassium voltage-gated channel subfamily H member 5; minus strand). Cytogenetic location: 14q23.2.
Variant type: single nucleotide variant.
Coding change: c.2195A>G on transcript NM_139318.5 (MANE Select); coding-DNA position 2195, A replaced by G.
Protein change: p.Asn732Ser; replaces asparagine 732 with serine.
Molecular consequence: missense variant. On other transcripts: 3 prime UTR variant (1).
Genome position (GRCh38, 1-based): chr14:62,708,280, T>C on the plus strand (A>G on the coding strand, the complement: KCNH5 is on the minus strand). VCF-style: chr14-62708280-T-C. GRCh37 (hg19) VCF-style: chr14-63174998-T-C.
Other names: c.*162A>G (NM_172375.3); short protein forms N732S.
Identifiers: ClinVar variation 2039040 (VCV002039040.4), dbSNP rs1884485483, ClinGen allele CA390101132.